The following is an entry in ClinVar:

ClinVar aggregate classification (germline): Uncertain significance (1 of 4 stars; one submission).

Conditions:
Majeed syndrome (MJDS). Also called: CHRONIC RECURRENT MULTIFOCAL OSTEOMYELITIS 1, WITH CONGENITAL DYSERYTHROPOIETIC ANEMIA, WITH OR WITHOUT NEUTROPHILIC DERMATOSIS; LPIN2-Related Majeed Syndrome. Identifiers: Orphanet 77297, MedGen C1864997, MONDO:0012316, OMIM 609628.

gnomAD v4.1: 1 of 1,614,068 alleles (0.000062%); highest among the groups gnomAD compares: South Asian, 0.0011%; no homozygotes.

Submission:

Labcorp Genetics (formerly Invitae), Labcorp
Classification: Uncertain significance for Majeed syndrome. Last evaluated: 2020-09-16. Review status: criteria provided, single submitter. Criteria: Invitae Variant Classification Sherloc (09022015). Collection method: clinical testing. Allele origin: germline.
Comment: This variant is not present in population databases (ExAC no frequency). This sequence change replaces proline with serine at codon 149 of the LPIN2 protein (p.Pro149Ser). The proline residue is weakly conserved and there is a moderate physicochemical difference between proline and serine. In summary, the available evidence is currently insufficient to determine the role of this variant in disease. Therefore, it has been classified as a Variant of Uncertain Significance. Algorithms developed to predict the effect of missense changes on protein structure and function output the following: SIFT: "Tolerated"; PolyPhen-2: "Benign"; Align-GVGD: "Class C0". The serine amino acid residue is found in multiple mammalian species, suggesting that this missense change does not adversely affect protein function. These predictions have not been confirmed by published functional studies and their clinical significance is uncertain. This variant has not been reported in the literature in individuals with LPIN2-related conditions.

NM_001375808.2(LPIN2):c.445C>T (p.Pro149Ser)

Gene: LPIN2 (lipin 2; minus strand). Cytogenetic location: 18p11.31.
Variant type: single nucleotide variant.
Coding change: c.445C>T on transcript NM_001375808.2 (MANE Select); coding-DNA position 445, C replaced by T.
Protein change: p.Pro149Ser; replaces proline 149 with serine.
Molecular consequence: missense variant.
Genome position (GRCh38, 1-based): chr18:2,951,200, G>A on the plus strand (C>T on the coding strand, the complement: LPIN2 is on the minus strand). VCF-style: chr18-2951200-G-A. GRCh37 (hg19) VCF-style: chr18-2951198-G-A.
Other names: c.445C>T, p.Pro149Ser (NM_001375809.1, NM_014646.2); short protein forms P149S.
Identifiers: ClinVar variation 1061305 (VCV001061305.9), dbSNP rs376661021, ClinGen allele CA401709057.